The following is an entry in ClinVar:

ClinVar aggregate classification (germline): Uncertain significance (1 of 4 stars; one submission).

Conditions:
Hereditary cancer-predisposing syndrome. Also called: Tumor predisposition; Neoplastic Syndromes, Hereditary; Hereditary Cancer Syndrome; Hereditary neoplastic syndrome. Identifiers: Orphanet 140162, MedGen C0027672, MeSH D009386, MONDO:0015356.

Submission:

Color Diagnostics, LLC DBA Color Health
Classification: Uncertain significance for Hereditary cancer-predisposing syndrome. Last evaluated: 2024-03-07. Review status: criteria provided, single submitter. Criteria: ACMG Guidelines, 2015. Collection method: clinical testing. Allele origin: germline.
Comment: This missense variant replaces threonine with isoleucine at codon 2529 of the ATM protein. Computational prediction suggests that this variant may have deleterious impact on protein structure and function (internally defined REVEL score threshold >= 0.7, PMID: 27666373). To our knowledge, functional studies have not been reported for this variant. This variant has not been reported in individuals affected with hereditary cancer in the literature. This variant has not been identified in the general population by the Genome Aggregation Database (gnomAD). The available evidence is insufficient to determine the role of this variant in disease conclusively. Therefore, this variant is classified as a Variant of Uncertain Significance.

NM_000051.4(ATM):c.7586C>T (p.Thr2529Ile)

Genes: ATM (ATM serine/threonine kinase; plus strand), C11orf65 (chromosome 11 open reading frame 65; minus strand). Cytogenetic location: 11q22.3.
Variant type: single nucleotide variant.
Coding change: c.7586C>T on transcript NM_000051.4 (MANE Select); coding-DNA position 7586, C replaced by T.
Protein change: p.Thr2529Ile; replaces threonine 2529 with isoleucine.
Molecular consequence: missense variant. On other transcripts: non-coding transcript variant (1), intron variant (2).
Genome position (GRCh38, 1-based): chr11:108,331,514, C>T. VCF-style: chr11-108331514-C-T. GRCh37 (hg19) VCF-style: chr11-108202241-C-T.
Other names: c.7586C>T, p.Thr2529Ile (NM_001351834.2); c.641-22443G>A (NM_001330368.2); c.*38+3706G>A (NM_001351110.2); short protein forms T2529I.
Identifiers: ClinVar variation 2774714 (VCV002774714.1), dbSNP rs2086230821, ClinGen allele CA382560784.